The following is an entry in ClinVar:

ClinVar aggregate classification (germline): Uncertain significance (1 of 4 stars; one submission).

Conditions:
Intellectual developmental disorder, autosomal dominant 1. Also called: MBD5 Haploinsufficiency; Intellectual disability, autosomal dominant 1. Identifiers: Orphanet 228402, MedGen C1969562, MONDO:0007974, OMIM 156200.

Submission:

Labcorp Genetics (formerly Invitae), Labcorp
Classification: Uncertain significance for Intellectual developmental disorder, autosomal dominant 1. Last evaluated: 2023-12-11. Review status: criteria provided, single submitter. Criteria: Invitae Variant Classification Sherloc (09022015). Collection method: clinical testing. Allele origin: germline.
Comment: This sequence change replaces glycine, which is neutral and non-polar, with serine, which is neutral and polar, at codon 1433 of the MBD5 protein (p.Gly1433Ser). This variant is not present in population databases (gnomAD no frequency). This variant has not been reported in the literature in individuals affected with MBD5-related conditions. Experimental studies and prediction algorithms are not available or were not evaluated, and the functional significance of this variant is currently unknown. In summary, the available evidence is currently insufficient to determine the role of this variant in disease. Therefore, it has been classified as a Variant of Uncertain Significance.

NM_001378120.1(MBD5):c.4996G>A (p.Gly1666Ser)

Gene: MBD5 (methyl-CpG binding domain protein 5; plus strand). Cytogenetic location: 2q23.1.
Variant type: single nucleotide variant.
Coding change: c.4996G>A on transcript NM_001378120.1 (MANE Select); coding-DNA position 4996, G replaced by A.
Protein change: p.Gly1666Ser; replaces glycine 1666 with serine.
Molecular consequence: missense variant.
Genome position (GRCh38, 1-based): chr2:148,502,469, G>A. VCF-style: chr2-148502469-G-A. GRCh37 (hg19) VCF-style: chr2-149260038-G-A.
Other names: c.4297G>A, p.Gly1433Ser (NM_018328.5); short protein forms G1433S, G1666S.
Identifiers: ClinVar variation 2817232 (VCV002817232.3), dbSNP rs2470115404, ClinGen allele CA348859038.